The following is an entry in ClinVar:

ClinVar aggregate classification (germline): Uncertain significance (1 of 4 stars; one submission).

Conditions:
Bainbridge-Ropers syndrome. Also called: Severe feeding difficulties-failure to thrive-microcephaly due to ASXL3 deficiency syndrome. Identifiers: Orphanet 352577, MedGen C4750837, MONDO:0014205, OMIM 615485.

gnomAD v4.1: 3 of 1,613,946 alleles (0.00019%); highest among the groups gnomAD compares: Middle Eastern, 0.016%; no homozygotes.

Submission:

Baylor Genetics
Classification: Uncertain significance for Bainbridge-Ropers syndrome. Last evaluated: 2019-11-07. Review status: criteria provided, single submitter. Criteria: ACMG Guidelines, 2015. Collection method: clinical testing. Allele origin: unknown. Affected: yes.
Comment: This variant was determined to be of uncertain significance according to ACMG Guidelines, 2015 [PMID:25741868].

NM_030632.3(ASXL3):c.5096C>A (p.Ala1699Asp)

Gene: ASXL3 (ASXL transcriptional regulator 3; plus strand). Cytogenetic location: 18q12.1.
Variant type: single nucleotide variant.
Coding change: c.5096C>A on transcript NM_030632.3 (MANE Select); coding-DNA position 5096, C replaced by A.
Protein change: p.Ala1699Asp; replaces alanine 1699 with aspartic acid.
Molecular consequence: missense variant.
Genome position (GRCh38, 1-based): chr18:33,744,944, C>A. VCF-style: chr18-33744944-C-A. GRCh37 (hg19) VCF-style: chr18-31324908-C-A.
Other names: short protein forms A1699D.
Identifiers: ClinVar variation 1028390 (VCV001028390.1), dbSNP rs2067749242, ClinGen allele CA402192899.
Genomic context (GRCh38, chr18:33,744,944, plus strand): 5'-TTAGAATGGACACTGAAGACTTCCCTGGCCCTGAGCTGCCTCCTCCGGCTGCAGAGGGAG[C>A]CTCTAGTGTACAACAAACACAGAACATGAAAGCTTCCACCTCAAGTCCCATGGAAGAGGC-3'
Protein context (NP_085135.1, residues 1689-1709): PELPPPAAEG[Ala1699Asp]SSVQQTQNMK